The following is an entry in ClinVar:

ClinVar aggregate classification (germline): Conflicting classifications of pathogenicity. Review status: criteria provided, conflicting classifications (1 of 4 stars). 14 submissions from 14 submitters: Likely pathogenic (2); Uncertain significance (4); Benign (2); Likely benign (3). 3 of the submissions do not count toward it. Last evaluated 2026-03-11.

Conditions:
Inborn genetic diseases. Identifiers: MedGen C0950123, MeSH D030342.
Hypercholesterolemia, autosomal dominant, type B (FHCL2). Also called: Familial hypercholesterolemia 2; APOB-Related Familial Hypercholesterolemia, Autosomal Dominant; Familial Hypercholesterolemia Type B; HYPERCHOLESTEROLEMIA, FAMILIAL, DUE TO LIGAND-DEFECTIVE APOLIPOPROTEIN B; Hyperlipoproteinemia Type IIb; APOLIPOPROTEIN B-100, FAMILIAL DEFECTIVE. Identifiers: MedGen C1704417, MONDO:0007751, OMIM 144010.
Muscle AMP deaminase deficiency (MMDD). Also called: Myoadenylate deaminase deficiency, myopathy due to; Adenosine monophosphate deaminase 1 deficiency; AMP deaminase 1 deficiency; Adenosine Monophosphate Deaminase 1; AMPD1 DEFICIENCY; ADENOSINE MONOPHOSPHATE DEAMINASE-1 DEFICIENCY, MYOPATHY DUE TO. Identifiers: Orphanet 45, MedGen C3714933, MONDO:0014220, OMIM 615511.
AMPD1-related disorder. Also called: AMPD1-related condition.

Allele frequency attached by ClinVar (database versions not stated): TOPMed 0.02075; gnomAD 0.02589 and 0.02732; 1000 Genomes Project 30x 0.00999; 1000 Genomes Project 0.01098; ESP Exome Variant Server 0.02414; gnomAD exomes 0.02828; ExAC 0.02822.
gnomAD v4.1: 50,262 of 1,612,856 alleles (3.1%); highest among the groups gnomAD compares: Non-Finnish European, 3.4%; 976 homozygotes.

Submissions (14):

Ambry Genetics
Classification: Likely benign for Inborn genetic diseases. Last evaluated: 2026-03-11. Review status: criteria provided, single submitter. Criteria: Ambry Variant Classification Scheme 2023. Collection method: clinical testing. Allele origin: germline.

Labcorp Genetics (formerly Invitae), Labcorp
Classification: Benign for Muscle AMP deaminase deficiency. Last evaluated: 2026-02-03. Review status: criteria provided, single submitter. Criteria: Invitae Variant Classification Sherloc (09022015). Collection method: clinical testing. Allele origin: germline.

Laboratory of Genetics, Children's Clinical University Hospital Latvia
Classification: Likely benign. Last evaluated: 2025-02-16. Review status: criteria provided, single submitter. Criteria: ACMG Guidelines, 2015. Collection method: clinical testing. Allele origin: germline. Affected: yes.

GeneDx
Classification: Uncertain significance. Last evaluated: 2024-07-09. Review status: criteria provided, single submitter. Criteria: GeneDx Variant Classification Process June 2021. Collection method: clinical testing. Allele origin: germline. Affected: yes.
Comment: Published functional studies found this variant is associated with reduced catalytic activity (PMID: 15173240); In silico analysis supports that this missense variant has a deleterious effect on protein structure/function; Also known as p.(K287I); This variant is associated with the following publications: (PMID: 36199823, 32512653, 20981092, 24503134, 22995991, 29095874, 33250842, 33567613, 37789688, 15173240, 25332755)

Laboratory for Molecular Medicine, Mass General Brigham Personalized Medicine
Classification: Likely benign. Last evaluated: 2024-01-01. Review status: criteria provided, single submitter. Criteria: ACMG Guidelines, 2015. Collection method: clinical testing. Allele origin: germline.
Comment: The p.Lys287Ile variant in AMPD1 is classified as likely benign because it has been identified in 13.0% (118/910) of Amish and 8.4% (894/10552) of European chromosomes including 91 homozygotes by gnomAD (v.3.1.2). ACMG/AMP Criteria applied: BS1.

Institute of Medical Genetics and Applied Genomics, University Hospital Tübingen
Classification: Uncertain significance for Hypercholesterolemia, autosomal dominant, type B; Muscle AMP deaminase deficiency. Last evaluated: 2022-12-07. Review status: criteria provided, single submitter. Criteria: ACMG Guidelines, 2015. Collection method: clinical testing. Allele origin: germline. Inheritance: Autosomal recessive inheritance. Affected: yes.

Mendelics
Classification: Benign. Last evaluated: 2022-05-04. Review status: criteria provided, single submitter. Criteria: Mendelics Assertion Criteria 2019. Collection method: clinical testing. Allele origin: germline.

Revvity Omics, Revvity
Classification: Uncertain significance for Muscle AMP deaminase deficiency. Last evaluated: 2020-02-26. Review status: criteria provided, single submitter. Criteria: ACMG Guidelines, 2015. Collection method: clinical testing. Allele origin: germline.

Fulgent Genetics
Classification: Likely pathogenic for Muscle AMP deaminase deficiency. Last evaluated: 2018-10-31. Review status: criteria provided, single submitter. Criteria: ACMG Guidelines, 2015. Collection method: clinical testing. Allele origin: unknown.

Eurofins Ntd Llc (ga)
Classification: Uncertain significance. Last evaluated: 2018-08-15. Review status: criteria provided, single submitter. Criteria: EGL ClinVar v180209 classification definitions. Collection method: clinical testing. Allele origin: germline. Observed: 27 variant alleles, 27 heterozygotes.

Centre for Mendelian Genomics, University Medical Centre Ljubljana
Classification: Likely pathogenic for Muscle AMP deaminase deficiency. Last evaluated: 2016-01-01. Review status: criteria provided, single submitter. Criteria: ACMG Guidelines, 2015. Collection method: clinical testing. Allele origin: unknown. Affected: yes.
Comment: This variant was classified as: Likely pathogenic. The following ACMG criteria were applied in classifying this variant: PS1,PM3,PP3,PP4.

PreventionGenetics, part of Exact Sciences
Classification: Benign for AMPD1-related condition. Last evaluated: 2021-01-28. Review status: no assertion criteria provided. Collection method: clinical testing. Allele origin: germline. Not counted in ClinVar's aggregate classification.
Comment: This variant is classified as benign based on ACMG/AMP sequence variant interpretation guidelines (Richards et al. 2015 PMID: 25741868, with internal and published modifications).

Mayo Clinic Laboratories, Mayo Clinic
Classification: Likely pathogenic. Last evaluated: 2016-02-23. Review status: no assertion criteria provided. Collection method: clinical testing. Allele origin: unknown. Not counted in ClinVar's aggregate classification.

Department of Pathology and Laboratory Medicine, Sinai Health System
Classification: Uncertain significance. Review status: no assertion criteria provided. Collection method: clinical testing. Allele origin: unknown. Affected: yes. Study: The Canadian Open Genetics Repository (COGR). Not counted in ClinVar's aggregate classification.
Comment: Â¬â€ The AMPD1 p.Lys320Ile variant was identified in the literature as a heterozygous variant in a patient with muscular dystrophy, however this patient also harbored biallelic loss of function variants in the LAMA2 gene that were attributed as the cause of disease (Russo_2014_PMID:25332755). The variant was also identified in dbSNP (ID: rs34526199) and ClinVar (conflicting interpretations of pathogenicity with two likely pathogenic submissions by Fulgent Genetics and Mayo Clinic Genetic Testing Laboratories and one VUS submission by EGL Genetics Diagnostics; associated condition is Muscle AMP deaminase deficiency). The variant was identified in control databases in 8126 of 282682 chromosomes (174 homozygous) at a frequency of 0.028746 increasing the likelihood this could be a low frequency benign variant (Genome Aggregation Database Feb 27, 2017). The variant was observed in the following populations: Â¬â€ European (Finnish) in 2089 of 25116 chromosomes (freq: 0.08317), European (non-Finnish) in 4407 of 129122 chromosomes (freq: 0.03413), Other in 234 of 7220 chromosomes (freq: 0.03241), Ashkenazi Jewish in 252 of 10368 chromosomes (freq: 0.02431), Latino in 553 of 35440 chromosomes (freq: 0.0156), South Asian in 473 of 30614 chromosomes (freq: 0.01545) and African in 118 of 24852 chromosomes (freq: 0.004748), while the variant was not observed in the East Asian population. The variant occurs outside of the splicing consensus sequence and in silico or computational prediction software programs (SpliceSiteFinder, MaxEntScan, NNSPLICE, GeneSplicer) do not predict a difference in splicing. The p.Lys320 residue is conserved across mammals and other organisms, and four out of five computational analyses (PolyPhen-2, SIFT, AlignGVGD, BLOSUM) suggest that the K variant may impact the protein; however, this information is not predictive enough to assume pathogenicity. In summary, based on the above information the clinical significance of this variant cannot be determined with certainty at this time. This variant is classified as a variant of uncertain significance.

NM_000036.3(AMPD1):c.860A>T (p.Lys287Ile)

Gene: AMPD1 (adenosine monophosphate deaminase 1; minus strand). Cytogenetic location: 1p13.2.
Variant type: single nucleotide variant.
Coding change: c.860A>T on transcript NM_000036.3 (MANE Select); coding-DNA position 860, A replaced by T.
Protein change: p.Lys287Ile; replaces lysine 287 with isoleucine.
Molecular consequence: missense variant.
Genome position (GRCh38, 1-based): chr1:114,679,616, T>A on the plus strand (A>T on the coding strand, the complement: AMPD1 is on the minus strand). VCF-style: chr1-114679616-T-A. GRCh37 (hg19) VCF-style: chr1-115222237-T-A.
Other names: c.848A>T, p.Lys283Ile (NM_001172626.2); short protein forms K320I, K283I, K287I.
Identifiers: ClinVar variation 92338 (VCV000092338.31), dbSNP rs34526199, ClinGen allele CA145623.
Genomic context (GRCh38, chr1:114,679,616, plus strand): 5'-CCCTGAGCAACTAAAATGTTTACCTTCCTGCAGTTATAAAAATCTCGGTGGGGGTTGTTT[T>A]TCAGCTCCTTTAACTCGTCCATCTCGTTAAGCATCTGATGGACCTGGAACTTGGAGGAGA-3'
Protein context (NP_000027.3, residues 277-297): LNEMDELKEL[Lys287Ile]NNPHRDFYNC